The following is an entry in ClinVar:

NM_004456.5(EZH2):c.1719C>A (p.Thr573=)

Gene: EZH2 (enhancer of zeste 2 polycomb repressive complex 2 subunit; minus strand). Cytogenetic location: 7q36.1.
Variant type: single nucleotide variant.
Coding change: c.1719C>A on transcript NM_004456.5 (MANE Select); coding-DNA position 1719, C replaced by A.
Protein change: p.Thr573=; no amino-acid change (threonine 573 retained).
Molecular consequence: synonymous variant.
Genome position (GRCh38, 1-based): chr7:148,814,091, G>T on the plus strand (C>A on the coding strand, the complement: EZH2 is on the minus strand). VCF-style: chr7-148814091-G-T. GRCh37 (hg19) VCF-style: chr7-148511183-G-T.
Other names: c.1704C>A, p.Thr568= (NM_001203247.2); c.1677C>A, p.Thr559= (NM_001203248.2); c.1551C>A, p.Thr517= (NM_001203249.2); c.1587C>A, p.Thr529= (NM_152998.3).
Identifiers: ClinVar variation 459201 (VCV000459201.17), dbSNP rs186989444, ClinGen allele CA4547804.
Genomic context (GRCh38, chr7:148,814,091, plus strand): 5'-ACAAGTAAGACAGAGGTCAGGGTCACACTCTCGGACAGCCAGGTAGCACGGGCACTGCTT[G>T]GTGTTGCACTGTGCTTTGCAGCGGCATCCCGGAAAGCGGTTTTGACCTTCAGAGAGAGGT-3'
Protein context (NP_004447.2, residues 563-583): PGCRCKAQCN[Thr573=]KQCPCYLAVR

ClinVar aggregate classification (germline): Benign/Likely benign. Review status: criteria provided, multiple submitters, no conflicts (2 of 4 stars). 4 submissions from 4 submitters: Benign (1); Likely benign (2). 1 of the submissions does not count toward it. Last evaluated 2026-07-01.

Conditions:
EZH2-related disorder.
Weaver syndrome (WVS). Also called: Weaver Smith syndrome; Overgrowth syndrome with accelerated skeletal maturation, unusual facies, and camptodactyly. Identifiers: Orphanet 3447, MedGen C0265210, MONDO:0010193, OMIM 277590.

Allele frequency attached by ClinVar (database versions not stated): gnomAD 0.00006 and 0.00007; gnomAD exomes 0.00018 and 0.00040; ExAC 0.00028; TOPMed 0.00028; 1000 Genomes Project 0.00060; 1000 Genomes Project 30x 0.00078.

Submissions (4):

CeGaT Center for Human Genetics Tuebingen
Classification: Likely benign. Last evaluated: 2026-07-01. Review status: criteria provided, single submitter. Criteria: CeGaT Center For Human Genetics Tuebingen Variant Classification Criteria Version 2. Collection method: clinical testing. Allele origin: germline. Affected: yes. Observed: 2 variant alleles.
Comment: EZH2: BP4, BP7, BS1

Labcorp Genetics (formerly Invitae), Labcorp
Classification: Benign for Weaver syndrome. Last evaluated: 2025-10-16. Review status: criteria provided, single submitter. Criteria: Invitae Variant Classification Sherloc (09022015). Collection method: clinical testing. Allele origin: germline.

Blueprint Genetics
Classification: Likely benign. Last evaluated: 2024-09-23. Review status: criteria provided, single submitter. Criteria: ACMG Guidelines, 2015. Collection method: clinical testing. Allele origin: germline.

PreventionGenetics, part of Exact Sciences
Classification: Likely benign for EZH2-related condition. Last evaluated: 2019-06-20. Review status: no assertion criteria provided. Collection method: clinical testing. Allele origin: germline. Not counted in ClinVar's aggregate classification.
Comment: This variant is classified as likely benign based on ACMG/AMP sequence variant interpretation guidelines (Richards et al. 2015 PMID: 25741868, with internal and published modifications).